The following is an entry in ClinVar:

ClinVar aggregate classification (germline): Benign/Likely benign. Review status: criteria provided, multiple submitters, no conflicts (2 of 4 stars). 4 submissions from 4 submitters: Benign (2); Likely benign (2). Last evaluated 2025-12-03.

Conditions:
Autosomal dominant aplasia and myelodysplasia. Also called: Bone marrow failure syndrome 1. Identifiers: Orphanet 314399, MedGen C3808553, MONDO:0013851, OMIM 614675.

Allele frequency attached by ClinVar (database versions not stated): TOPMed 0.00026; gnomAD exomes 0.00002 and 0.00006; ExAC 0.00007; ESP Exome Variant Server 0.00015; gnomAD 0.00018 and 0.00020.
gnomAD v4.1: 58 of 1,613,906 alleles (0.0036%); highest among the groups gnomAD compares: African/African-American, 0.068%; no homozygotes.

Submissions (4):

Labcorp Genetics (formerly Invitae), Labcorp
Classification: Benign. Last evaluated: 2025-12-03. Review status: criteria provided, single submitter. Criteria: Invitae Variant Classification Sherloc (09022015). Collection method: clinical testing. Allele origin: germline.

Ambry Genetics
Classification: Likely benign. Last evaluated: 2024-11-30. Review status: criteria provided, single submitter. Criteria: Ambry Variant Classification Scheme 2023. Collection method: clinical testing. Allele origin: germline.

Blueprint Genetics
Classification: Likely benign. Last evaluated: 2023-03-08. Review status: criteria provided, single submitter. Criteria: ACMG Guidelines, 2015. Collection method: clinical testing. Allele origin: germline.

Illumina Laboratory Services, Illumina
Classification: Benign for Autosomal dominant aplasia and myelodysplasia. Last evaluated: 2018-01-13. Review status: criteria provided, single submitter. Criteria: ICSL Variant Classification Criteria 13 December 2019. Collection method: clinical testing. Allele origin: germline.
Comment: This variant was observed in the ICSL laboratory as part of a predisposition screen in an ostensibly healthy population. It had not been previously curated by ICSL or reported in the Human Gene Mutation Database (HGMD: prior to June 1st, 2018), and was therefore a candidate for classification through an automated scoring system. Utilizing variant allele frequency, disease prevalence and penetrance estimates, and inheritance mode, an automated score was calculated to assess if this variant is too frequent to cause the disease. Based on the score and internal cut-off values, a variant classified as benign is not then subjected to further curation. The score for this variant resulted in a classification of benign for this disease.

NM_006947.4(SRP72):c.294G>A (p.Leu98=)

Gene: SRP72 (signal recognition particle 72; plus strand). Cytogenetic location: 4q12.
Variant type: single nucleotide variant.
Coding change: c.294G>A on transcript NM_006947.4 (MANE Select); coding-DNA position 294, G replaced by A.
Protein change: p.Leu98=; no amino-acid change (leucine 98 retained).
Molecular consequence: synonymous variant. On other transcripts: non-coding transcript variant (1).
Genome position (GRCh38, 1-based): chr4:56,471,783, G>A. VCF-style: chr4-56471783-G-A. GRCh37 (hg19) VCF-style: chr4-57337949-G-A.
Other names: c.294G>A, p.Leu98= (NM_001267722.2).
Identifiers: ClinVar variation 349120 (VCV000349120.14), dbSNP rs145137299, ClinGen allele CA2931030.